The following is an entry in ClinVar:

ClinVar aggregate classification (germline): Uncertain significance. Review status: criteria provided, multiple submitters, no conflicts (2 of 4 stars). 3 submissions from 3 submitters: Uncertain significance (3). Last evaluated 2025-04-08.

Conditions:
Hereditary cancer-predisposing syndrome. Also called: Neoplastic Syndromes, Hereditary; Tumor predisposition; Hereditary Cancer Syndrome; Hereditary neoplastic syndrome. Identifiers: Orphanet 140162, MedGen C0027672, MeSH D009386, MONDO:0015356.

gnomAD v4.1: 1 of 1,613,708 alleles (0.000062%); highest among the groups gnomAD compares: Non-Finnish European, 0.000085%; no homozygotes.

Submissions (3):

GeneDx
Classification: Uncertain significance. Last evaluated: 2025-04-08. Review status: criteria provided, single submitter. Criteria: GeneDx Variant Classification Process June 2021. Collection method: clinical testing. Allele origin: germline. Affected: yes.
Comment: Not observed at significant frequency in large population cohorts (gnomAD); In silico analysis supports that this missense variant has a deleterious effect on protein structure/function; Has not been previously published as pathogenic or benign to our knowledge; This variant is associated with the following publications: (PMID: 18199528)

Ambry Genetics
Classification: Uncertain significance for Hereditary cancer-predisposing syndrome. Last evaluated: 2024-09-04. Review status: criteria provided, single submitter. Criteria: Ambry Variant Classification Scheme 2023. Collection method: clinical testing. Allele origin: germline.
Comment: The p.P2559S variant (also known as c.7675C>T), located in coding exon 15 of the APC gene, results from a C to T substitution at nucleotide position 7675. The proline at codon 2559 is replaced by serine, an amino acid with similar properties. This amino acid position is conserved. In addition, in silico predictors for this gene do not accurately predict pathogenicity. Based on the available evidence, the clinical significance of this variant remains unclear.

Color Diagnostics, LLC DBA Color Health
Classification: Uncertain significance for Hereditary cancer-predisposing syndrome. Last evaluated: 2024-02-13. Review status: criteria provided, single submitter. Criteria: ACMG Guidelines, 2015. Collection method: clinical testing. Allele origin: germline.
Comment: This missense variant replaces proline with serine at codon 2559 of the APC protein. Computational prediction is inconclusive regarding the impact of this variant on protein structure and function (internally defined REVEL score threshold 0.5 < inconclusive < 0.7, PMID: 27666373). To our knowledge, functional studies have not been reported for this variant. This variant has not been reported in individuals affected with APC-related disorders in the literature. This variant has not been identified in the general population by the Genome Aggregation Database (gnomAD). The available evidence is insufficient to determine the role of this variant in disease conclusively. Therefore, this variant is classified as a Variant of Uncertain Significance.

NM_000038.6(APC):c.7675C>T (p.Pro2559Ser)

Gene: APC (APC regulator of Wnt signaling pathway; plus strand). Cytogenetic location: 5q22.2.
Variant type: single nucleotide variant.
Coding change: c.7675C>T on transcript NM_000038.6 (MANE Select); coding-DNA position 7675, C replaced by T.
Protein change: p.Pro2559Ser; replaces proline 2559 with serine.
Molecular consequence: missense variant. On other transcripts: non-coding transcript variant (2).
Genome position (GRCh38, 1-based): chr5:112,843,269, C>T. VCF-style: chr5-112843269-C-T. GRCh37 (hg19) VCF-style: chr5-112178966-C-T.
Other names: c.7675C>T, p.Pro2559Ser (NM_001127510.3, NM_001354895.2, NM_001407450.1); c.7621C>T, p.Pro2541Ser (NM_001127511.3); c.7729C>T, p.Pro2577Ser (NM_001354896.2, NM_001407447.1, NM_001407448.1 and 1 more transcripts); c.7705C>T, p.Pro2569Ser (NM_001354897.2); c.7600C>T, p.Pro2534Ser (NM_001354898.2); c.7591C>T, p.Pro2531Ser (NM_001354899.2); c.7552C>T, p.Pro2518Ser (NM_001354900.2); c.7498C>T, p.Pro2500Ser (NM_001354901.2, NM_001407453.1); and 11 more; short protein forms P2399S, P2433S, P2476S, P2518S, P2534S, P2552S, P2559S, P2569S.
Identifiers: ClinVar variation 3410818 (VCV003410818.3).